The following is an entry in ClinVar:

ClinVar aggregate classification (germline): Uncertain significance (1 of 4 stars; one submission).

Conditions:
Cardiovascular phenotype. Identifiers: MedGen CN230736.

Submission:

Ambry Genetics
Classification: Uncertain significance for Cardiovascular phenotype. Last evaluated: 2025-08-12. Review status: criteria provided, single submitter. Criteria: Ambry Variant Classification Scheme 2023. Collection method: clinical testing. Allele origin: germline.
Comment: The p.G875S variant (also known as c.2623G>A), located in coding exon 1 of the ZNF469 gene, results from a G to A substitution at nucleotide position 2623. The glycine at codon 875 is replaced by serine, an amino acid with similar properties. This amino acid position is conserved. In addition, this alteration is predicted to be tolerated by in silico analysis. Based on the available evidence, the clinical significance of this variant remains unclear.

NM_001127464.1:c.2623G>A

Gene: ZNF469 (zinc finger protein 469; plus strand).
Variant type: single nucleotide variant.
Identifiers: ClinVar variation 4209216 (VCV004209216.1).